The following is an entry in ClinVar:

ClinVar aggregate classification (germline): Uncertain significance. Review status: criteria provided, multiple submitters, no conflicts (2 of 4 stars). 3 submissions from 3 submitters: Uncertain significance (2). 1 of the submissions does not count toward it. Last evaluated 2025-07-12.

Conditions:
FLCN-related disorder. Also called: FLCN-related condition.
Birt-Hogg-Dube syndrome. Also called: Birt Hogg Dubé syndrome. Identifiers: Orphanet 122, MedGen C0346010, MONDO:0800444.
Hereditary cancer-predisposing syndrome. Also called: Neoplastic Syndromes, Hereditary; Hereditary neoplastic syndrome; Hereditary Cancer Syndrome; Tumor predisposition. Identifiers: Orphanet 140162, MedGen C0027672, MeSH D009386, MONDO:0015356.

Allele frequency attached by ClinVar (database versions not stated): gnomAD exomes below 0.00001.

Submissions (3):

Ambry Genetics
Classification: Uncertain significance for Hereditary cancer-predisposing syndrome. Last evaluated: 2025-07-12. Review status: criteria provided, single submitter. Criteria: Ambry Variant Classification Scheme 2023. Collection method: clinical testing. Allele origin: germline.
Comment: The p.P76L variant (also known as c.227C>T), located in coding exon 1 of the FLCN gene, results from a C to T substitution at nucleotide position 227. The proline at codon 76 is replaced by leucine, an amino acid with similar properties. This amino acid position is conserved. In addition, the in silico prediction for this alteration is inconclusive. Based on the available evidence, the clinical significance of this variant remains unclear.

Labcorp Genetics (formerly Invitae), Labcorp
Classification: Uncertain significance for Birt-Hogg-Dube syndrome. Last evaluated: 2024-02-26. Review status: criteria provided, single submitter. Criteria: Invitae Variant Classification Sherloc (09022015). Collection method: clinical testing. Allele origin: germline.
Comment: This sequence change replaces proline, which is neutral and non-polar, with leucine, which is neutral and non-polar, at codon 76 of the FLCN protein (p.Pro76Leu). This variant is not present in population databases (gnomAD no frequency). This variant has not been reported in the literature in individuals affected with FLCN-related conditions. ClinVar contains an entry for this variant (Variation ID: 998598). Advanced modeling of protein sequence and biophysical properties (such as structural, functional, and spatial information, amino acid conservation, physicochemical variation, residue mobility, and thermodynamic stability) performed at Invitae indicates that this missense variant is not expected to disrupt FLCN protein function with a negative predictive value of 80%. In summary, the available evidence is currently insufficient to determine the role of this variant in disease. Therefore, it has been classified as a Variant of Uncertain Significance.

PreventionGenetics, part of Exact Sciences
Classification: Uncertain significance for FLCN-related condition. Last evaluated: 2023-11-06. Review status: no assertion criteria provided. Collection method: clinical testing. Allele origin: germline. Not counted in ClinVar's aggregate classification.
Comment: The FLCN c.227C>T variant is predicted to result in the amino acid substitution p.Pro76Leu. To our knowledge, this variant has not been reported in the literature or in a large population database, indicating this variant is rare. It is interpreted as uncertain significance in ClinVar. At this time, the clinical significance of this variant is uncertain due to the absence of conclusive functional and genetic evidence.

NM_144997.7(FLCN):c.227C>T (p.Pro76Leu)

Gene: FLCN (folliculin; minus strand). Cytogenetic location: 17p11.2.
Variant type: single nucleotide variant.
Coding change: c.227C>T on transcript NM_144997.7 (MANE Select); coding-DNA position 227, C replaced by T.
Protein change: p.Pro76Leu; replaces proline 76 with leucine.
Molecular consequence: missense variant.
Genome position (GRCh38, 1-based): chr17:17,227,911, G>A on the plus strand (C>T on the coding strand, the complement: FLCN is on the minus strand). VCF-style: chr17-17227911-G-A. GRCh37 (hg19) VCF-style: chr17-17131225-G-A.
Other names: c.227C>T (NM_144997.5); c.227C>T, p.Pro76Leu (NM_001353229.2, NM_001353230.2, NM_001353231.2 and 1 more transcripts); short protein forms P76L.
Identifiers: ClinVar variation 998598 (VCV000998598.8), dbSNP rs2047302894, ClinGen allele CA398535058.